The following is an entry in ClinVar:

NM_205768.3(ZBTB18):c.195G>C (p.Gln65His)

Gene: ZBTB18 (zinc finger and BTB domain containing 18; plus strand). Cytogenetic location: 1q44.
Variant type: single nucleotide variant.
Coding change: c.195G>C on transcript NM_205768.3 (MANE Select); coding-DNA position 195, G replaced by C.
Protein change: p.Gln65His; replaces glutamine 65 with histidine.
Molecular consequence: missense variant.
Genome position (GRCh38, 1-based): chr1:244,053,969, G>C. VCF-style: chr1-244053969-G-C. GRCh37 (hg19) VCF-style: chr1-244217271-G-C.
Other names: c.168G>C, p.Gln56His (NM_001278196.2, NM_006352.5); c.195G>C, p.Gln65His (NM_001421566.1); short protein forms Q56H, Q65H.
Identifiers: ClinVar variation 4714521 (VCV004714521.1).
Genomic context (GRCh38, chr1:244,053,969, plus strand): 5'-AGCGCACCGAGCTGTACTGGCTTCATGCAGCATGTATTTCCACCTCTTTTACAAGGACCA[G>C]CTGGACAAAAGAGACATTGTTCATCTGAACAGCGACATTGTTACAGCCCCCGCTTTCGCT-3'
Protein context (NP_991331.1, residues 55-75): SMYFHLFYKD[Gln65His]LDKRDIVHLN

ClinVar aggregate classification (germline): Uncertain significance (1 of 4 stars; one submission).

gnomAD v4.1: 1 of 1,614,138 alleles (0.000062%); highest among the groups gnomAD compares: African/African-American, 0.0013%; no homozygotes.

Submission:

Labcorp Genetics (formerly Invitae), Labcorp
Classification: Uncertain significance. Last evaluated: 2025-03-06. Review status: criteria provided, single submitter. Criteria: Invitae Variant Classification Sherloc (09022015). Collection method: clinical testing. Allele origin: germline.
Comment: This sequence change replaces glutamine, which is neutral and polar, with histidine, which is basic and polar, at codon 65 of the ZBTB18 protein (p.Gln65His). This variant is present in population databases (rs553501844, gnomAD 0.007%). This variant has not been reported in the literature in individuals affected with ZBTB18-related conditions. An algorithm developed to predict the effect of missense changes on protein structure and function (PolyPhen-2) suggests that this variant is likely to be disruptive. In summary, the available evidence is currently insufficient to determine the role of this variant in disease. Therefore, it has been classified as a Variant of Uncertain Significance.